The following is an entry in ClinVar:

ClinVar aggregate classification (germline): Likely benign. Review status: criteria provided, multiple submitters, no conflicts (2 of 4 stars). 2 submissions from 2 submitters: Likely benign (2). Last evaluated 2022-11-17.

Conditions:
Developmental and epileptic encephalopathy, 31A. Also called: Developmental and epileptic encephalopathy, 31; Epileptic encephalopathy, early infantile, 31. Identifiers: Orphanet 2382, MedGen C4225357, MONDO:0014598, OMIM 616346.

Allele frequency attached by ClinVar (database versions not stated): TOPMed 0.00001; gnomAD exomes 0.00004; ExAC 0.00008.
gnomAD v4.1: 29 of 1,608,210 alleles (0.0018%); highest among the groups gnomAD compares: Non-Finnish European, 0.0021%; no homozygotes.

Submissions (2):

Labcorp Genetics (formerly Invitae), Labcorp
Classification: Likely benign for Developmental and epileptic encephalopathy, 31A. Last evaluated: 2022-11-17. Review status: criteria provided, single submitter. Criteria: Invitae Variant Classification Sherloc (09022015). Collection method: clinical testing. Allele origin: germline.

GeneDx
Classification: Likely benign. Last evaluated: 2016-01-21. Review status: criteria provided, single submitter. Criteria: GeneDx Variant Classification (06012015). Collection method: clinical testing. Allele origin: germline. Affected: yes.
Comment: This variant is considered likely benign or benign based on one or more of the following criteria: it is a conservative change, it occurs at a poorly conserved position in the protein, it is predicted to be benign by multiple in silico algorithms, and/or has population frequency not consistent with disease.

NM_004408.4(DNM1):c.1493+16G>C

Gene: DNM1 (dynamin 1; plus strand). Cytogenetic location: 9q34.11.
Variant type: single nucleotide variant.
Coding change: c.1493+16G>C on transcript NM_004408.4 (MANE Select); 16 bases into the intron after coding-DNA position 1493, G replaced by C.
Molecular consequence: intron variant.
Genome position (GRCh38, 1-based): chr9:128,239,531, G>C. VCF-style: chr9-128239531-G-C. GRCh37 (hg19) VCF-style: chr9-131001810-G-C.
Other names: c.1493+16G>C (NM_001005336.3, NM_001288738.2, NM_001288737.2 and 1 more transcripts).
Identifiers: ClinVar variation 382824 (VCV000382824.9), dbSNP rs746358072, ClinGen allele CA5258183.
Genomic context (GRCh38, chr9:128,239,531, plus strand): 5'-GGCTTACATGAACACCAACCATGAGGACTTCATAGGCTTTGCCAAGTGAGTGCTCCCCCA[G>C]GCAAAAAGTGAGTGCTCCCTGGGCAGAGAAGGTAACGTGTGTGTGTGTGTGTGTGTGTGT-3'